The following is an entry in ClinVar:

NM_001909.5(CTSD):c.977T>A (p.Met326Lys)

Gene: CTSD (cathepsin D; minus strand). Cytogenetic location: 11p15.5.
Variant type: single nucleotide variant.
Coding change: c.977T>A on transcript NM_001909.5 (MANE Select); coding-DNA position 977, T replaced by A.
Protein change: p.Met326Lys; replaces methionine 326 with lysine.
Molecular consequence: missense variant.
Genome position (GRCh38, 1-based): chr11:1,753,897, A>T on the plus strand (T>A on the coding strand, the complement: CTSD is on the minus strand). VCF-style: chr11-1753897-A-T. GRCh37 (hg19) VCF-style: chr11-1775127-A-T.
Other names: short protein forms M326K.
Identifiers: ClinVar variation 1768172 (VCV001768172.2), dbSNP rs1565018786, ClinGen allele CA379093407.
Genomic context (GRCh38, chr11:1,753,897, plus strand): 5'-CCTTTGCCTCCCAGCTTCAGTGTGATCGCGGGCAGGGTGGACACCTTCTCACAGGGGATC[A>T]TGTACTAAGAGGGGTCACAGCAGTGTCAGGGTGGTAGTGGTGGCCTTGGGGCTCCCCCTG-3'
Protein context (NP_001900.1, residues 316-336): GAVPLIQGEY[Met326Lys]IPCEKVSTLP

ClinVar aggregate classification (germline): Uncertain significance (1 of 4 stars; one submission).

Conditions:
Inborn genetic diseases. Identifiers: MedGen C0950123, MeSH D030342.

Submission:

Ambry Genetics
Classification: Uncertain significance for Inborn genetic diseases. Last evaluated: 2020-03-13. Review status: criteria provided, single submitter. Criteria: Ambry Variant Classification Scheme 2023. Collection method: clinical testing. Allele origin: germline.
Comment: The p.M326K variant (also known as c.977T>A), located in coding exon 8 of the CTSD gene, results from a T to A substitution at nucleotide position 977. The methionine at codon 326 is replaced by lysine, an amino acid with similar properties. This amino acid position is not well conserved in available vertebrate species. In addition, this alteration is predicted to be tolerated by in silico analysis. Since supporting evidence is limited at this time, the clinical significance of this alteration remains unclear.